The following is an entry in ClinVar:

NM_007194.4(CHEK2):c.909-3C>G

Gene: CHEK2 (checkpoint kinase 2; minus strand). Cytogenetic location: 22q12.1.
Variant type: single nucleotide variant.
Coding change: c.909-3C>G on transcript NM_007194.4 (MANE Select); 3 bases into the intron before coding-DNA position 909, C replaced by G.
Molecular consequence: intron variant.
Genome position (GRCh38, 1-based): chr22:28,699,940, G>C on the plus strand (C>G on the coding strand, the complement: CHEK2 is on the minus strand). VCF-style: chr22-28699940-G-C. GRCh37 (hg19) VCF-style: chr22-29095928-G-C.
Other names: c.246-3C>G (NM_001437942.1, NM_001257387.3); c.708-3C>G (NM_001349956.3); c.909-3C>G (NM_145862.3); c.1002-3C>G (NM_001438295.1, NM_001438293.1); c.1038-3C>G (NM_001438294.1, NM_001005735.3).
Identifiers: ClinVar variation 1039972 (VCV001039972.12), dbSNP rs1569121928, ClinGen allele CA2400240264.

ClinVar aggregate classification (germline): Uncertain significance. Review status: criteria provided, multiple submitters, no conflicts (2 of 4 stars). 2 submissions from 2 submitters: Uncertain significance (2). Last evaluated 2023-07-07.

Conditions:
Hereditary cancer-predisposing syndrome. Also called: Neoplastic Syndromes, Hereditary; Hereditary Cancer Syndrome; Tumor predisposition; Hereditary neoplastic syndrome. Identifiers: Orphanet 140162, MedGen C0027672, MeSH D009386, MONDO:0015356.
Familial cancer of breast. Also called: hereditary breast carcinoma; Hereditary breast cancer; BREAST CANCER, FAMILIAL. Identifiers: Orphanet 227535, MedGen C0346153, MONDO:0016419, OMIM 114480. Disease mechanism: loss of function.

Submissions (2):

Ambry Genetics
Classification: Uncertain significance for Hereditary cancer-predisposing syndrome. Last evaluated: 2023-07-07. Review status: criteria provided, single submitter. Criteria: Ambry Variant Classification Scheme 2023. Collection method: clinical testing. Allele origin: germline.
Comment: The c.909-3C>G intronic variant results from a C to G substitution 3 nucleotides upstream from coding exon 8 in the CHEK2 gene. This nucleotide position is not well conserved in available vertebrate species. In silico splice site analysis predicts that this alteration will weaken the native splice acceptor site and will result in the creation or strengthening of a novel splice acceptor site. Since supporting evidence is limited at this time, the clinical significance of this alteration remains unclear.

Labcorp Genetics (formerly Invitae), Labcorp
Classification: Uncertain significance for Familial cancer of breast. Last evaluated: 2020-02-17. Review status: criteria provided, single submitter. Criteria: Invitae Variant Classification Sherloc (09022015). Collection method: clinical testing. Allele origin: germline.
Comment: This sequence change falls in intron 8 of the CHEK2 gene. It does not directly change the encoded amino acid sequence of the CHEK2 protein, but it affects a nucleotide within the consensus splice site of the intron. This variant is not present in population databases (ExAC no frequency). This variant has not been reported in the literature in individuals with CHEK2-related conditions. Nucleotide substitutions within the consensus splice site are a relatively common cause of aberrant splicing (PMID: 17576681, 9536098). Algorithms developed to predict the effect of sequence changes on RNA splicing suggest that this variant may disrupt the consensus splice site, but this prediction has not been confirmed by published transcriptional studies. In summary, the available evidence is currently insufficient to determine the role of this variant in disease. Therefore, it has been classified as a Variant of Uncertain Significance.

Literature cited by the submitters: PubMed 17576681 (cited by Labcorp Genetics (formerly Invitae), Labcorp); PubMed 9536098 (cited by Labcorp Genetics (formerly Invitae), Labcorp).